The following is an entry in ClinVar:

ClinVar aggregate classification (germline): Uncertain significance. Review status: criteria provided, multiple submitters, no conflicts (2 of 4 stars). 2 submissions from 2 submitters: Uncertain significance (2). Last evaluated 2026-01-18.

Allele frequency attached by ClinVar (database versions not stated): gnomAD 0.00001; gnomAD exomes 0.00003; TOPMed 0.00004; ExAC 0.00005.
gnomAD v4.1: 19 of 1,614,054 alleles (0.0012%); highest among the groups gnomAD compares: Admixed American, 0.032%; no homozygotes.

Submissions (2):

Labcorp Genetics (formerly Invitae), Labcorp
Classification: Uncertain significance. Last evaluated: 2026-01-18. Review status: criteria provided, single submitter. Criteria: Invitae Variant Classification Sherloc (09022015). Collection method: clinical testing. Allele origin: germline.
Comment: This sequence change replaces glycine, which is neutral and non-polar, with serine, which is neutral and polar, at codon 372 of the TNS2 protein (p.Gly372Ser). This variant is present in population databases (rs759397813, gnomAD 0.05%). This variant has not been reported in the literature in individuals affected with TNS2-related conditions. ClinVar contains an entry for this variant (Variation ID: 3180822). An algorithm developed to predict the effect of missense changes on protein structure and function (PolyPhen-2) suggests that this variant is likely to be disruptive. In summary, the available evidence is currently insufficient to determine the role of this variant in disease. Therefore, it has been classified as a Variant of Uncertain Significance.

Ambry Genetics
Classification: Uncertain significance. Last evaluated: 2024-02-21. Review status: criteria provided, single submitter. Criteria: Ambry Variant Classification Scheme 2023. Collection method: clinical testing. Allele origin: germline.

NM_170754.4(TNS2):c.1084G>A (p.Gly362Ser)

Gene: TNS2 (tensin 2; plus strand). Cytogenetic location: 12q13.13.
Variant type: single nucleotide variant.
Coding change: c.1084G>A on transcript NM_170754.4 (MANE Select); coding-DNA position 1084, G replaced by A.
Protein change: p.Gly362Ser; replaces glycine 362 with serine.
Molecular consequence: missense variant.
Genome position (GRCh38, 1-based): chr12:53,058,091, G>A. VCF-style: chr12-53058091-G-A. GRCh37 (hg19) VCF-style: chr12-53451875-G-A.
Other names: c.1084G>A, p.Gly362Ser (NM_001416202.1, NM_001416204.1); c.1015G>A, p.Gly339Ser (NM_001416203.1, NM_015319.3); c.712G>A, p.Gly238Ser (NM_198316.2); short protein forms G362S, G238S, G339S.
Identifiers: ClinVar variation 3180822 (VCV003180822.2), dbSNP rs759397813, ClinGen allele CA6592173.
Genomic context (GRCh38, chr12:53,058,091, plus strand): 5'-ATTGCAGGCCCTGGTCCCCAGCAGCTTTGCATCAGCCTGGAGCCAGCCCTCCTCCTCAAA[G>A]GCGATGTCATGGTGAGGGGGGTCCTGTCAACAAGAAGAATCCTGGAGATGGGGCAGGGGT-3'
Protein context (NP_736610.2, residues 352-372): ISLEPALLLK[Gly362Ser]DVMVTCYHKG